The following is an entry in ClinVar:

ClinVar aggregate classification (germline): Uncertain significance (1 of 4 stars; one submission).

Allele frequency attached by ClinVar (database versions not stated): TOPMed below 0.00001; gnomAD 0.00001; gnomAD exomes below 0.00001.
gnomAD v4.1: 4 of 1,613,442 alleles (0.00025%); highest among the groups gnomAD compares: African/African-American, 0.0027%; no homozygotes.

Submission:

Labcorp Genetics (formerly Invitae), Labcorp
Classification: Uncertain significance. Last evaluated: 2023-08-11. Review status: criteria provided, single submitter. Criteria: Invitae Variant Classification Sherloc (09022015). Collection method: clinical testing. Allele origin: germline.
Comment: Algorithms developed to predict the effect of missense changes on protein structure and function output the following: SIFT: "Not Available"; PolyPhen-2: "Possibly Damaging"; Align-GVGD: "Not Available". The isoleucine amino acid residue is found in multiple mammalian species, which suggests that this missense change does not adversely affect protein function. In summary, the available evidence is currently insufficient to determine the role of this variant in disease. Therefore, it has been classified as a Variant of Uncertain Significance. This variant has not been reported in the literature in individuals affected with HMCN1-related conditions. This sequence change replaces valine, which is neutral and non-polar, with isoleucine, which is neutral and non-polar, at codon 1553 of the HMCN1 protein (p.Val1553Ile). This variant is present in population databases (no rsID available, gnomAD 0.007%).

NM_031935.3(HMCN1):c.4657G>A (p.Val1553Ile)

Gene: HMCN1 (hemicentin 1; plus strand). Cytogenetic location: 1q31.1.
Variant type: single nucleotide variant.
Coding change: c.4657G>A on transcript NM_031935.3 (MANE Select); coding-DNA position 4657, G replaced by A.
Protein change: p.Val1553Ile; replaces valine 1553 with isoleucine.
Molecular consequence: missense variant.
Genome position (GRCh38, 1-based): chr1:186,015,185, G>A. VCF-style: chr1-186015185-G-A. GRCh37 (hg19) VCF-style: chr1-185984317-G-A.
Other names: short protein forms V1553I.
Identifiers: ClinVar variation 2786257 (VCV002786257.3), dbSNP rs1487501728, ClinGen allele CA343884610.